The following is an entry in ClinVar:

NM_007078.3(LDB3):c.1304C>T (p.Pro435Leu)

Gene: LDB3 (LIM domain binding 3; plus strand). Cytogenetic location: 10q23.2.
Variant type: single nucleotide variant.
Coding change: c.1304C>T on transcript NM_007078.3 (MANE Select); coding-DNA position 1304, C replaced by T.
Protein change: p.Pro435Leu; replaces proline 435 with leucine.
Molecular consequence: missense variant.
Genome position (GRCh38, 1-based): chr10:86,716,399, C>T. VCF-style: chr10-86716399-C-T. GRCh37 (hg19) VCF-style: chr10-88476156-C-T.
Other names: c.974C>T, p.Pro325Leu (NM_001080114.2); c.1319C>T, p.Pro440Leu (NM_001171610.2); c.1115C>T, p.Pro372Leu (NM_001368064.1, NM_001368065.1); c.1163C>T, p.Pro388Leu (NM_001368066.1); short protein forms P440L, P435L, P325L, P388L, P372L.
Identifiers: ClinVar variation 4993388 (VCV004993388.1).

ClinVar aggregate classification (germline): Uncertain significance (1 of 4 stars; one submission).

Conditions:
LDB3-related disorder. Also called: LDB3-related condition.

Submission:

PreventionGenetics, part of Exact Sciences
Classification: Uncertain significance for LDB3-related condition. Last evaluated: 2026-08-03. Review status: criteria provided, single submitter. Criteria: ACMG Guidelines, 2015. Collection method: clinical testing. Allele origin: germline.
Comment: The LDB3 c.974C>T variant is predicted to result in the amino acid substitution p.Pro325Leu. To our knowledge, this variant has not been reported in the literature or in a large population database (gnomAD), indicating this variant is rare. At this time, the clinical significance of this variant is uncertain due to the absence of conclusive functional and genetic evidence.